The following is an entry in ClinVar:

NM_005188.4(CBL):c.105G>T (p.Pro35=)

Genes: CBL (Cbl proto-oncogene; plus strand), LOC130006895 (ATAC-STARR-seq lymphoblastoid silent region 3975; plus strand). Cytogenetic location: 11q23.3.
Variant type: single nucleotide variant.
Coding change: c.105G>T on transcript NM_005188.4 (MANE Select); coding-DNA position 105, G replaced by T.
Protein change: p.Pro35=; no amino-acid change (proline 35 retained).
Molecular consequence: synonymous variant.
Genome position (GRCh38, 1-based): chr11:119,206,522, G>T. VCF-style: chr11-119206522-G-T. GRCh37 (hg19) VCF-style: chr11-119077232-G-T.
Other names: c.105G>T (NM_005188.2).
Identifiers: ClinVar variation 3027325 (VCV003027325.24), dbSNP rs2496819450, ClinGen allele CA477374787.

ClinVar aggregate classification (germline): Likely benign. Review status: criteria provided, multiple submitters, no conflicts (2 of 4 stars). 3 submissions from 3 submitters: Likely benign (3). Last evaluated 2026-09-01.

Conditions:
Cardiovascular phenotype. Identifiers: MedGen CN230736.
RASopathy. Also called: Noonan spectrum disorder; rasopathies. Identifiers: Orphanet 536391, MedGen C5555857, MONDO:0021060.

gnomAD v4.1: 2 of 1,556,498 alleles (0.00013%); highest among the groups gnomAD compares: Non-Finnish European, 0.00017%; no homozygotes.

Submissions (3):

CeGaT Center for Human Genetics Tuebingen
Classification: Likely benign. Last evaluated: 2026-09-01. Review status: criteria provided, single submitter. Criteria: CeGaT Center For Human Genetics Tuebingen Variant Classification Criteria Version 2. Collection method: clinical testing. Allele origin: germline. Affected: yes. Observed: 2 variant alleles.
Comment: CBL: BP4, BP7

Ambry Genetics
Classification: Likely benign for Cardiovascular phenotype. Last evaluated: 2025-05-22. Review status: criteria provided, single submitter. Criteria: Ambry Variant Classification Scheme 2023. Collection method: clinical testing. Allele origin: germline.

Labcorp Genetics (formerly Invitae), Labcorp
Classification: Likely benign for RASopathy. Last evaluated: 2024-07-12. Review status: criteria provided, single submitter. Criteria: Invitae Variant Classification Sherloc (09022015). Collection method: clinical testing. Allele origin: germline.